The following is an entry in ClinVar:

NM_001042492.3(NF1):c.1845+2_1845+3insGGCCGGGCGCGGTGGCTCACGCCTGTAATCCCAGCACTTTGGGNNNNNNNNNNAAAAAAAAAAAAAAAAAAAAAAAAATAAGGT

Gene: NF1 (neurofibromin 1; plus strand). Cytogenetic location: 17q11.2.
Variant type: Microsatellite.
Coding change: c.1845+2_1845+3insGGCCGGGCGCGGTGGCTCACGCCTGTAATCCCAGCACTTTGGGNNNNNNNNNNAAAAAAAAAAAAAAAAAAAAAAAAATAAGGT on transcript NM_001042492.3 (MANE Select); the canonical splice donor site of the intron after coding-DNA position 1845 through 3 bases into the intron after coding-DNA position 1845, GGCCGGGCGCGGTGGCTCACGCCTGTAATCCCAGCACTTTGGGNNNNNNNNNNAAAAAAAAAAAAAAAAAAAAAAAAATAAGGT inserted.
Molecular consequence: splice donor variant.
Genome position: GRCh38: chr17:31,223,559-31,223,569. GRCh37 (hg19): chr17:29,550,577-29,550,587.
Other names: c.1845+2_1845+3insGGCCGGGCGCGGTGGCTCACGCCTGTAATCCCAGCACTTTGGGNNNNNNNNNNAAAAAAAAAAAAAAAAAAAAAAAAATAAGGT (NM_000267.4).
Identifiers: ClinVar variation 3723257 (VCV003723257.2).

ClinVar aggregate classification (germline): Likely pathogenic (1 of 4 stars; one submission).

Conditions:
Neurofibromatosis, type 1 (NF1). Also called: VON RECKLINGHAUSEN DISEASE; NEUROFIBROMATOSIS, TYPE I, SOMATIC; Peripheral type neurofibromatosis; Neurofibromatosis, type I. Identifiers: Orphanet 636, MedGen C0027831, MONDO:0018975, OMIM 162200. Disease mechanism: loss of function.

Submission:

Labcorp Genetics (formerly Invitae), Labcorp
Classification: Likely pathogenic for Neurofibromatosis, type 1. Last evaluated: 2024-10-18. Review status: criteria provided, single submitter. Criteria: Invitae Variant Classification Sherloc (09022015). Collection method: clinical testing. Allele origin: germline.
Comment: This sequence change falls in intron 16 of the NF1 gene. It does not directly change the encoded amino acid sequence of the NF1 protein. RNA analysis indicates that this variant induces altered splicing and may result in an absent or altered protein product. This variant is not present in population databases (gnomAD no frequency). This variant has been observed in individual(s) with neurofibromatosis, type 1 (internal data). Variants that disrupt the consensus splice site are a relatively common cause of aberrant splicing (PMID: 17576681, 9536098). Studies have shown that this variant results in skipping of exon 15 and/or 16, and produces a non-functional protein and/or introduces a premature termination codon (internal data). In summary, the currently available evidence indicates that the variant is pathogenic, but additional data are needed to prove that conclusively. Therefore, this variant has been classified as Likely Pathogenic.

Literature cited by the submitters: PubMed 17576681; PubMed 9536098.